The following is an entry in ClinVar:

ClinVar aggregate classification (germline): Uncertain significance. Review status: criteria provided, single submitter (1 of 4 stars). 2 submissions from 2 submitters: Uncertain significance (1). 1 of the submissions does not count toward it. Last evaluated 2023-05-01.

Conditions:
MYH3-related disorder. Also called: MYH3-Related Disorders; MYH3-related condition. Identifiers: MedGen CN239329.

Allele frequency attached by ClinVar (database versions not stated): gnomAD exomes below 0.00001.
gnomAD v4.1: 2 of 1,600,314 alleles (0.00012%); highest among the groups gnomAD compares: Non-Finnish European, 0.00017%; no homozygotes.

Submissions (2):

Labcorp Genetics (formerly Invitae), Labcorp
Classification: Uncertain significance. Last evaluated: 2023-05-01. Review status: criteria provided, single submitter. Criteria: Invitae Variant Classification Sherloc (09022015). Collection method: clinical testing. Allele origin: germline.
Comment: This sequence change replaces glutamic acid, which is acidic and polar, with valine, which is neutral and non-polar, at codon 1120 of the MYH3 protein (p.Glu1120Val). This variant is not present in population databases (gnomAD no frequency). This variant has not been reported in the literature in individuals affected with MYH3-related conditions. Advanced modeling of protein sequence and biophysical properties (such as structural, functional, and spatial information, amino acid conservation, physicochemical variation, residue mobility, and thermodynamic stability) performed at Invitae indicates that this missense variant is not expected to disrupt MYH3 protein function. In summary, the available evidence is currently insufficient to determine the role of this variant in disease. Therefore, it has been classified as a Variant of Uncertain Significance.

PreventionGenetics, part of Exact Sciences
Classification: Uncertain significance for MYH3-related condition. Last evaluated: 2024-06-19. Review status: no assertion criteria provided. Collection method: clinical testing. Allele origin: germline. Not counted in ClinVar's aggregate classification.
Comment: The MYH3 c.3359A>T variant is predicted to result in the amino acid substitution p.Glu1120Val. To our knowledge, this variant has not been reported in the literature or in a large population database, indicating this variant is rare. At this time, the clinical significance of this variant is uncertain due to the absence of conclusive functional and genetic evidence.

NM_002470.4(MYH3):c.3359A>T (p.Glu1120Val)

Gene: MYH3 (myosin heavy chain 3; minus strand). Cytogenetic location: 17p13.1.
Variant type: single nucleotide variant.
Coding change: c.3359A>T on transcript NM_002470.4 (MANE Select); coding-DNA position 3359, A replaced by T.
Protein change: p.Glu1120Val; replaces glutamic acid 1120 with valine.
Molecular consequence: missense variant.
Genome position (GRCh38, 1-based): chr17:10,638,413, T>A on the plus strand (A>T on the coding strand, the complement: MYH3 is on the minus strand). VCF-style: chr17-10638413-T-A. GRCh37 (hg19) VCF-style: chr17-10541730-T-A.
Other names: c.3359A>T (NM_002470.3); short protein forms E1120V.
Identifiers: ClinVar variation 3011326 (VCV003011326.4), dbSNP rs2508594087, ClinGen allele CA398152734.
Genomic context (GRCh38, chr17:10,638,413, plus strand): 5'-TAGTCGCTGCGCTGTTTCTCTGTCTTCGCGCGGGTGGCCCTCTCCGCCTCTATCTCCTCT[T>A]CCAGCTCCTCAATTCGAGCCTGTGGAGGGCAGCCGTTCACCCCGTGGGCAGTGGGTTCAC-3'
Protein context (NP_002461.2, residues 1110-1130): KELQARIEEL[Glu1120Val]EEIEAERATR